The following is an entry in ClinVar:

NM_000478.6(ALPL):c.1324C>T (p.Gln442Ter)

Gene: ALPL (alkaline phosphatase, biomineralization associated; plus strand). Cytogenetic location: 1p36.12.
Variant type: single nucleotide variant.
Coding change: c.1324C>T on transcript NM_000478.6 (MANE Select); coding-DNA position 1324, C replaced by T.
Protein change: p.Gln442Ter; replaces glutamine 442 with a stop codon.
Molecular consequence: nonsense.
Genome position (GRCh38, 1-based): chr1:21,577,397, C>T. VCF-style: chr1-21577397-C-T. GRCh37 (hg19) VCF-style: chr1-21903890-C-T.
Other names: c.1159C>T, p.Gln387Ter (NM_001127501.4); c.1093C>T, p.Gln365Ter (NM_001177520.3); c.1324C>T, p.Gln442Ter (NM_001369803.2, NM_001369804.2, NM_001369805.2); short protein forms Q442*, Q387*, Q365*.
Identifiers: ClinVar variation 551920 (VCV000551920.3), dbSNP rs1553415035, ClinGen allele CA338881962.

ClinVar aggregate classification (germline): Pathogenic. Review status: criteria provided, single submitter (1 of 4 stars). 2 submissions from 2 submitters: Pathogenic (1). 1 of the submissions does not count toward it. Last evaluated 2026-09-01.

Conditions:
Hypophosphatasia. Also called: Phosphoethanol-aminuria. Identifiers: Orphanet 436, MedGen C0020630, MeSH D007014, MONDO:0018570.
Infantile hypophosphatasia. Identifiers: Orphanet 247651, Orphanet 436, MedGen C0268412, MONDO:1010169, OMIM 241500, MONDO:0009427.

Submissions (2):

Genomenon, Inc
Classification: Pathogenic for Hypophosphatasia. Last evaluated: 2026-09-01. Review status: criteria provided, single submitter. Criteria: Genomenon Sequence Variant Interpretation Standards - Updated. Collection method: curation. Allele origin: germline. Affected: yes.
Comment: ALPL p.Gln442Ter (c.1324C>T) is a nonsense variant that introduces a premature stop codon at amino acid position 442 and is predicted to result in a truncated or absent protein product. This variant has been observed in at least one proband affected with an ALPL-related disorder (PMID:41367618). It is absent or not present at a significant frequency in gnomAD. In conclusion, we classify ALPL p.Gln442Ter (c.1324C>T) as a pathogenic variant.

Counsyl
Classification: Likely pathogenic for Infantile hypophosphatasia. Last evaluated: 2017-05-17. Review status: no assertion criteria provided. Collection method: clinical testing. Allele origin: unknown. Not counted in ClinVar's aggregate classification.

Literature cited by the submitters: PubMed 41367618 (cited by Genomenon, Inc).